The following is an entry in ClinVar:

ClinVar aggregate classification (germline): Uncertain significance (1 of 4 stars; one submission).

Conditions:
Congenital contractural arachnodactyly (CCA). Also called: BEALS SYNDROME; Beals-Hecht syndrome; Arthrogryposis, distal, type 9. Identifiers: Orphanet 115, MedGen C0220668, MONDO:0007363, OMIM 121050.

gnomAD v4.1: 2 of 1,613,310 alleles (0.00012%); highest among the groups gnomAD compares: South Asian, 0.0011%; no homozygotes.

Submission:

Labcorp Genetics (formerly Invitae), Labcorp
Classification: Uncertain significance for Congenital contractural arachnodactyly. Last evaluated: 2018-04-23. Review status: criteria provided, single submitter. Criteria: Invitae Variant Classification Sherloc (09022015). Collection method: clinical testing. Allele origin: germline.
Comment: This variant is not present in population databases (ExAC no frequency). This sequence change replaces glycine with aspartic acid at codon 1982 of the FBN2 protein (p.Gly1982Asp). The glycine residue is highly conserved and there is a moderate physicochemical difference between glycine and aspartic acid. This variant has not been reported in the literature in individuals with FBN2-related disease. In summary, the available evidence is currently insufficient to determine the role of this variant in disease. Therefore, it has been classified as a Variant of Uncertain Significance. Algorithms developed to predict the effect of missense changes on protein structure and function (SIFT, PolyPhen-2, Align-GVGD) all suggest that this variant is likely to be disruptive, but these predictions have not been confirmed by published functional studies and their clinical significance is uncertain.

NM_001999.4(FBN2):c.5945G>A (p.Gly1982Asp)

Gene: FBN2 (fibrillin 2; minus strand). Cytogenetic location: 5q23.3.
Variant type: single nucleotide variant.
Coding change: c.5945G>A on transcript NM_001999.4 (MANE Select); coding-DNA position 5945, G replaced by A.
Protein change: p.Gly1982Asp; replaces glycine 1982 with aspartic acid.
Molecular consequence: missense variant.
Genome position (GRCh38, 1-based): chr5:128,301,483, C>T on the plus strand (G>A on the coding strand, the complement: FBN2 is on the minus strand). VCF-style: chr5-128301483-C-T. GRCh37 (hg19) VCF-style: chr5-127637175-C-T.
Other names: short protein forms G1982D.
Identifiers: ClinVar variation 580493 (VCV000580493.9), dbSNP rs1561757902, ClinGen allele CA360766863.